The following is an entry in ClinVar:

ClinVar aggregate classification (germline): Uncertain significance. Review status: criteria provided, multiple submitters, no conflicts (2 of 4 stars). 2 submissions from 2 submitters: Uncertain significance (2). Last evaluated 2024-10-24.

Conditions:
Charcot-Marie-Tooth disease type 2. Also called: Charcot-Marie-Tooth type 2. Identifiers: Orphanet 64746, MedGen C0270914, MONDO:0018993.

gnomAD v4.1: 7 of 1,614,216 alleles (0.00043%); highest among the groups gnomAD compares: Non-Finnish European, 0.00059%; no homozygotes.

Submissions (2):

Ambry Genetics
Classification: Uncertain significance. Last evaluated: 2024-10-24. Review status: criteria provided, single submitter. Criteria: Ambry Variant Classification Scheme 2023. Collection method: clinical testing. Allele origin: germline.
Comment: The p.G906R variant (also known as c.2716G>C), located in coding exon 24 of the KIF1B gene, results from a G to C substitution at nucleotide position 2716. The glycine at codon 906 is replaced by arginine, an amino acid with dissimilar properties. This amino acid position is conserved. In addition, this alteration is predicted to be deleterious by in silico analysis. Based on the available evidence, the clinical significance of this variant remains unclear.

Labcorp Genetics (formerly Invitae), Labcorp
Classification: Uncertain significance for Charcot-Marie-Tooth disease type 2. Last evaluated: 2023-08-05. Review status: criteria provided, single submitter. Criteria: Invitae Variant Classification Sherloc (09022015). Collection method: clinical testing. Allele origin: germline.
Comment: This sequence change replaces glycine, which is neutral and non-polar, with arginine, which is basic and polar, at codon 906 of the KIF1B protein (p.Gly906Arg). This variant is present in population databases (no rsID available, gnomAD 0.0009%). This variant has not been reported in the literature in individuals affected with KIF1B-related conditions. An algorithm developed to predict the effect of missense changes on protein structure and function (PolyPhen-2) suggests that this variant is likely to be disruptive. In summary, the available evidence is currently insufficient to determine the role of this variant in disease. Therefore, it has been classified as a Variant of Uncertain Significance.

NM_001365951.3(KIF1B):c.2854G>C (p.Gly952Arg)

Genes: KIF1B (kinesin family member 1B; plus strand), LOC126805614 (BRD4-independent group 4 enhancer GRCh37_chr1:10385546-10386745; plus strand). Cytogenetic location: 1p36.22.
Variant type: single nucleotide variant.
Coding change: c.2854G>C on transcript NM_001365951.3 (MANE Select); coding-DNA position 2854, G replaced by C.
Protein change: p.Gly952Arg; replaces glycine 952 with arginine.
Molecular consequence: missense variant.
Genome position (GRCh38, 1-based): chr1:10,326,289, G>C. VCF-style: chr1-10326289-G-C. GRCh37 (hg19) VCF-style: chr1-10386347-G-C.
Other names: c.2854G>C, p.Gly952Arg (NM_001365952.1); c.2716G>C, p.Gly906Arg (NM_015074.3); short protein forms G906R, G952R.
Identifiers: ClinVar variation 2734123 (VCV002734123.4), dbSNP rs1468721966, ClinGen allele CA338337365.